The following is an entry in ClinVar:

NM_001963.6(EGF):c.3189A>G (p.Leu1063=)

Gene: EGF (epidermal growth factor; plus strand). Cytogenetic location: 4q25.
Variant type: single nucleotide variant.
Coding change: c.3189A>G on transcript NM_001963.6 (MANE Select); coding-DNA position 3189, A replaced by G.
Protein change: p.Leu1063=; no amino-acid change (leucine 1063 retained).
Molecular consequence: synonymous variant.
Genome position (GRCh38, 1-based): chr4:110,004,520, A>G. VCF-style: chr4-110004520-A-G. GRCh37 (hg19) VCF-style: chr4-110925676-A-G.
Other names: c.3066A>G, p.Leu1022= (NM_001178130.3); c.3063A>G, p.Leu1021= (NM_001178131.3); c.2820A>G, p.Leu940= (NM_001357021.2).
Identifiers: ClinVar variation 753723 (VCV000753723.13), dbSNP rs41456944, ClinGen allele CA3044209.

ClinVar aggregate classification (germline): Benign/Likely benign. Review status: criteria provided, multiple submitters, no conflicts (2 of 4 stars). 4 submissions from 4 submitters: Benign (1); Likely benign (2). 1 of the submissions does not count toward it. Last evaluated 2025-10-27.

Conditions:
Renal hypomagnesemia 4. Also called: HYPOMAGNESEMIA, RENAL, NORMOCALCIURIC. Identifiers: Orphanet 34527, MedGen C2673648, MONDO:0012717, OMIM 611718.
EGF-related disorder. Also called: EGF-related condition.

Allele frequency attached by ClinVar (database versions not stated): gnomAD exomes 0.00011 and 0.00025; ExAC 0.00028; gnomAD 0.00103 and 0.00110; TOPMed 0.00116; 1000 Genomes Project 30x 0.00125; 1000 Genomes Project 0.00140; ESP Exome Variant Server 0.00161.
gnomAD v4.1: 337 of 1,614,120 alleles (0.021%); highest among the groups gnomAD compares: African/African-American, 0.37%; no homozygotes.

Submissions (4):

Labcorp Genetics (formerly Invitae), Labcorp
Classification: Benign. Last evaluated: 2025-10-27. Review status: criteria provided, single submitter. Criteria: Invitae Variant Classification Sherloc (09022015). Collection method: clinical testing. Allele origin: germline.

Blueprint Genetics
Classification: Likely benign. Last evaluated: 2024-10-09. Review status: criteria provided, single submitter. Criteria: ACMG Guidelines, 2015. Collection method: clinical testing. Allele origin: germline.

Fulgent Genetics
Classification: Likely benign for Renal hypomagnesemia 4. Last evaluated: 2021-10-14. Review status: criteria provided, single submitter. Criteria: ACMG Guidelines, 2015. Collection method: clinical testing. Allele origin: unknown.

PreventionGenetics, part of Exact Sciences
Classification: Likely benign for EGF-related condition. Last evaluated: 2022-11-03. Review status: no assertion criteria provided. Collection method: clinical testing. Allele origin: germline. Not counted in ClinVar's aggregate classification.
Comment: This variant is classified as likely benign based on ACMG/AMP sequence variant interpretation guidelines (Richards et al. 2015 PMID: 25741868, with internal and published modifications).